The following is an entry in ClinVar:

ClinVar aggregate classification (germline): Conflicting classifications of pathogenicity. Review status: criteria provided, conflicting classifications (1 of 4 stars). 4 submissions from 4 submitters: Uncertain significance (3); Likely benign (1). Last evaluated 2026-07-27.

Conditions:
Cardiovascular phenotype. Identifiers: MedGen CN230736.
Long QT syndrome (LQTS). Identifiers: MedGen C0023976, MeSH D008133, MONDO:0002442. Disease mechanism: loss of function. Inheritance: Various modes of inheritance.
CACNA1C-related disorder. Also called: CACNA1C-related condition; CACNA1C-related disorders. Identifiers: MedGen CN381092, MONDO:0700321.
Brugada syndrome 3 (BRGDA3). Identifiers: Orphanet 130, MedGen C2678478, MONDO:0012742, OMIM 611875.
Long QT syndrome 8. Identifiers: MedGen CN260585, MONDO:0032756, OMIM 618447.
Timothy syndrome (TS). Also called: LONG QT SYNDROME WITH SYNDACTYLY. Identifiers: Orphanet 65283, MedGen C1832916, MeSH C536962, MONDO:0010979, OMIM 601005.

Allele frequency attached by ClinVar (database versions not stated): ExAC 0.00001; gnomAD 0.00001; gnomAD exomes 0.00001 and 0.00002.

Submissions (4):

PreventionGenetics, part of Exact Sciences
Classification: Uncertain significance for CACNA1C-related condition. Last evaluated: 2026-07-27. Review status: criteria provided, single submitter. Criteria: ACMG Guidelines, 2015. Collection method: clinical testing. Allele origin: germline.
Comment: The CACNA1C c.1429G>A variant is predicted to result in the amino acid substitution p.Glu477Lys. To our knowledge, this variant has not been reported in the literature. This variant is reported in 0.0053% of alleles in individuals of East Asian descent in gnomAD. At this time, the clinical significance of this variant is uncertain due to the absence of conclusive functional and genetic evidence.

Ambry Genetics
Classification: Likely benign for Cardiovascular phenotype. Last evaluated: 2024-12-19. Review status: criteria provided, single submitter. Criteria: Ambry Variant Classification Scheme 2023. Collection method: clinical testing. Allele origin: germline.

Labcorp Genetics (formerly Invitae), Labcorp
Classification: Uncertain significance for Long QT syndrome. Last evaluated: 2024-09-23. Review status: criteria provided, single submitter. Criteria: Invitae Variant Classification Sherloc (09022015). Collection method: clinical testing. Allele origin: germline.
Comment: This sequence change replaces glutamic acid, which is acidic and polar, with lysine, which is basic and polar, at codon 477 of the CACNA1C protein (p.Glu477Lys). The frequency data for this variant in the population databases is considered unreliable, as metrics indicate poor data quality at this position in the gnomAD database. This variant has not been reported in the literature in individuals affected with CACNA1C-related conditions. ClinVar contains an entry for this variant (Variation ID: 646829). Invitae Evidence Modeling of protein sequence and biophysical properties (such as structural, functional, and spatial information, amino acid conservation, physicochemical variation, residue mobility, and thermodynamic stability) indicates that this missense variant is not expected to disrupt CACNA1C protein function with a negative predictive value of 80%. In summary, the available evidence is currently insufficient to determine the role of this variant in disease. Therefore, it has been classified as a Variant of Uncertain Significance.

Fulgent Genetics
Classification: Uncertain significance for Timothy syndrome; Brugada syndrome 3; Long QT syndrome 8. Last evaluated: 2021-08-17. Review status: criteria provided, single submitter. Criteria: ACMG Guidelines, 2015. Collection method: clinical testing. Allele origin: unknown.

NM_000719.7(CACNA1C):c.1429G>A (p.Glu477Lys)

Gene: CACNA1C (calcium voltage-gated channel subunit alpha1 C; plus strand). Cytogenetic location: 12p13.33.
Variant type: single nucleotide variant.
Coding change: c.1429G>A on transcript NM_000719.7 (MANE Select); coding-DNA position 1429, G replaced by A.
Protein change: p.Glu477Lys; replaces glutamic acid 477 with lysine.
Molecular consequence: missense variant.
Genome position (GRCh38, 1-based): chr12:2,549,981, G>A. VCF-style: chr12-2549981-G-A. GRCh37 (hg19) VCF-style: chr12-2659147-G-A.
Other names: c.1429G>A, p.Glu477Lys (NM_001129827.2, NM_001129829.2, NM_001129830.3 and 18 more transcripts); c.1420G>A, p.Glu474Lys (NM_001129844.2); short protein forms E477K, E474K.
Identifiers: ClinVar variation 646829 (VCV000646829.12), dbSNP rs762162937, ClinGen allele CA6388733.